The following is an entry in ClinVar:

ClinVar aggregate classification (germline): Uncertain significance (1 of 4 stars; one submission).

Submissions (3):

GeneDx
Classification: Uncertain significance. Last evaluated: 2024-07-21. Review status: criteria provided, single submitter. Criteria: GeneDx Variant Classification Process June 2021. Collection method: clinical testing. Allele origin: germline. Affected: yes.
Comment: Not observed at significant frequency in large population cohorts (gnomAD); In silico analysis indicates that this missense variant does not alter protein structure/function; Has not been previously published as pathogenic or benign to our knowledge

Dr. Peter K. Rogan Lab, Western University
No classification provided (evidence only). Condition: Thyroid cancer, nonmedullary, 1. Review status: no classification provided. Collection method: in vitro. Allele origin: not applicable. Functional consequence: retained intron. Not counted in ClinVar's aggregate classification.

Dr. Peter K. Rogan Lab, Western University
No classification provided (evidence only). Condition: Thyroid cancer, nonmedullary, 1. Review status: no classification provided. Collection method: in vitro. Allele origin: not applicable. Functional consequence: retained intron. Not counted in ClinVar's aggregate classification.

NM_001415.4(EIF2S3):c.5C>T (p.Ala2Val)

Genes: EIF2S3 (eukaryotic translation initiation factor 2 subunit gamma; plus strand), LOC130068055 (ATAC-STARR-seq lymphoblastoid active region 29496; plus strand). Cytogenetic location: Xp22.11.
Variant type: single nucleotide variant.
Coding change: c.5C>T on transcript NM_001415.4 (MANE Select); coding-DNA position 5, C replaced by T.
Protein change: p.Ala2Val; replaces alanine 2 with valine.
Molecular consequence: missense variant.
Genome position (GRCh38, 1-based): chrX:24,054,973, C>T. VCF-style: chrX-24054973-C-T. GRCh37 (hg19) VCF-style: chrX-24073090-C-T.
Other names: NC_000023.10:g.24073090C>T; short protein forms A2V.
Identifiers: ClinVar variation 3600646 (VCV003600646.2).